The following is an entry in ClinVar:

ClinVar aggregate classification (germline): Conflicting classifications of pathogenicity. Review status: criteria provided, conflicting classifications (1 of 4 stars). 13 submissions from 12 submitters: Uncertain significance (5); Benign (1); Likely benign (4). 3 of the submissions do not count toward it. Last evaluated 2025-10-29.

Conditions:
SYNE1-related disorder. Also called: SYNE1-related disorders; SYNE1-related disease; SYNE1-related condition.
Hereditary ataxia. Also called: Hereditary Ataxias. Identifiers: Orphanet 183518, MedGen C0004138, MONDO:0100309, MONDO:0000557.
Autosomal recessive ataxia, Beauce type. Also called: SYNE1-Related Autosomal Recessive Cerebellar Ataxia; ATAXIA, RECESSIVE, OF BEAUCE; SYNE1 Deficiency; Spinocerebellar ataxia, autosomal recessive 8. Identifiers: Orphanet 88644, MedGen C1853116, MONDO:0012549, OMIM 610743.
Emery-Dreifuss muscular dystrophy 4, autosomal dominant (EDMD4). Also called: EMERY-DREIFUSS MUSCULAR DYSTROPHY 4 WITH VARIABLE FEATURES. Identifiers: Orphanet 261, MedGen C2751807, MONDO:0013071, OMIM 612998.

Allele frequency attached by ClinVar (database versions not stated): TOPMed 0.00037; gnomAD 0.00057 and 0.00058; 1000 Genomes Project 30x 0.00062; gnomAD exomes 0.00066 and 0.00076; ExAC 0.00071; 1000 Genomes Project 0.00080; ESP Exome Variant Server 0.00092.
gnomAD v4.1: 1,185 of 1,614,222 alleles (0.073%); highest among the groups gnomAD compares: South Asian, 0.14%; 2 homozygotes.

Submissions (13):

GeneDx
Classification: Uncertain significance. Last evaluated: 2025-10-29. Review status: criteria provided, single submitter. Criteria: GeneDx Variant Classification Process June 2021. Collection method: clinical testing. Allele origin: germline. Affected: yes.
Comment: In silico analysis supports that this missense variant has a deleterious effect on protein structure/function; Has not been previously published as pathogenic or benign to our knowledge; This variant is associated with the following publications: (PMID: 30610203)

Mayo Clinic Laboratories, Mayo Clinic
Classification: Likely benign. Last evaluated: 2025-06-05. Review status: criteria provided, single submitter. Criteria: ACMG Guidelines, 2015. Collection method: clinical testing. Allele origin: germline. Observed: 3 variant alleles.
Comment: BS1, BP4_moderate

CeGaT Center for Human Genetics Tuebingen
Classification: Likely benign. Last evaluated: 2024-11-01. Review status: criteria provided, single submitter. Criteria: CeGaT Center For Human Genetics Tuebingen Variant Classification Criteria Version 2. Collection method: clinical testing. Allele origin: germline. Affected: yes. Observed: 2 variant alleles.
Comment: SYNE1: BP4

Athena Diagnostics
Classification: Likely benign. Last evaluated: 2024-02-06. Review status: criteria provided, single submitter. Criteria: Athena Diagnostics Criteria. Collection method: clinical testing. Allele origin: unknown.

Labcorp Genetics (formerly Invitae), Labcorp
Classification: Uncertain significance for Emery-Dreifuss muscular dystrophy 4, autosomal dominant; Autosomal recessive ataxia, Beauce type. Last evaluated: 2022-10-25. Review status: criteria provided, single submitter. Criteria: Invitae Variant Classification Sherloc (09022015). Collection method: clinical testing. Allele origin: germline.
Comment: This sequence change replaces glutamic acid, which is acidic and polar, with alanine, which is neutral and non-polar, at codon 1186 of the SYNE1 protein (p.Glu1186Ala). This variant is present in population databases (rs117461489, gnomAD 0.2%), and has an allele count higher than expected for a pathogenic variant. This variant has not been reported in the literature in individuals affected with SYNE1-related conditions. ClinVar contains an entry for this variant (Variation ID: 196189). Algorithms developed to predict the effect of missense changes on protein structure and function are either unavailable or do not agree on the potential impact of this missense change (SIFT: "Deleterious"; PolyPhen-2: "Possibly Damaging"; Align-GVGD: "Class C0"). In summary, the available evidence is currently insufficient to determine the role of this variant in disease. Therefore, it has been classified as a Variant of Uncertain Significance.

Baylor Genetics
Classification: Uncertain significance for Autosomal recessive ataxia, Beauce type. Last evaluated: 2021-06-29. Review status: criteria provided, single submitter. Criteria: ACMG Guidelines, 2015. Collection method: clinical testing. Allele origin: unknown.

Cambridge Genomics Laboratory, East Genomic Laboratory Hub, NHS Genomic Medicine Service
Classification: Likely benign for Hereditary ataxia. Last evaluated: 2019-04-17. Review status: criteria provided, single submitter. Criteria: ACGS Best Practice Guidelines for Variant Classification in Rare Disease 2020. Collection method: clinical testing. Allele origin: germline. Affected: yes. Observed: 1 variant allele.

Eurofins Ntd Llc (ga)
Classification: Uncertain significance. Last evaluated: 2018-07-30. Review status: criteria provided, single submitter. Criteria: EGL ClinVar v180209 classification definitions. Collection method: clinical testing. Allele origin: germline. Observed: 8 variant alleles, 8 heterozygotes.

Illumina Laboratory Services, Illumina
Classification: Benign for Emery-Dreifuss muscular dystrophy 4, autosomal dominant. Last evaluated: 2018-01-13. Review status: criteria provided, single submitter. Criteria: ICSL Variant Classification Criteria 13 December 2019. Collection method: clinical testing. Allele origin: germline.
Comment: This variant was observed in the ICSL laboratory as part of a predisposition screen in an ostensibly healthy population. It had not been previously curated by ICSL or reported in the Human Gene Mutation Database (HGMD: prior to June 1st, 2018), and was therefore a candidate for classification through an automated scoring system. Utilizing variant allele frequency, disease prevalence and penetrance estimates, and inheritance mode, an automated score was calculated to assess if this variant is too frequent to cause the disease. Based on the score and internal cut-off values, a variant classified as benign is not then subjected to further curation. The score for this variant resulted in a classification of benign for this disease.

Illumina Laboratory Services, Illumina
Classification: Uncertain significance for Autosomal recessive ataxia, Beauce type. Last evaluated: 2018-01-13. Review status: criteria provided, single submitter. Criteria: ICSL Variant Classification Criteria 13 December 2019. Collection method: clinical testing. Allele origin: germline.

PreventionGenetics, part of Exact Sciences
Classification: Likely benign for SYNE1-related condition. Last evaluated: 2023-09-27. Review status: no assertion criteria provided. Collection method: clinical testing. Allele origin: germline. Not counted in ClinVar's aggregate classification.
Comment: This variant is classified as likely benign based on ACMG/AMP sequence variant interpretation guidelines (Richards et al. 2015 PMID: 25741868, with internal and published modifications).

Clinical Genetics DNA and cytogenetics Diagnostics Lab, Erasmus MC, Erasmus Medical Center
Classification: Uncertain significance. Review status: no assertion criteria provided. Collection method: clinical testing. Allele origin: germline. Affected: yes. Study: VKGL Data-share Consensus. Not counted in ClinVar's aggregate classification.

Diagnostic Laboratory, Department of Genetics, University Medical Center Groningen
Classification: Uncertain significance. Review status: no assertion criteria provided. Collection method: clinical testing. Allele origin: germline. Affected: yes. Study: VKGL Data-share Consensus. Not counted in ClinVar's aggregate classification.

Literature cited by the submitters: PubMed 30610203 (cited by Athena Diagnostics).

NM_182961.4(SYNE1):c.3536A>C (p.Glu1179Ala)

Gene: SYNE1 (spectrin repeat containing nuclear envelope protein 1; minus strand). Cytogenetic location: 6q25.2.
Variant type: single nucleotide variant.
Coding change: c.3536A>C on transcript NM_182961.4 (MANE Select); coding-DNA position 3536, A replaced by C.
Protein change: p.Glu1179Ala; replaces glutamic acid 1179 with alanine.
Molecular consequence: missense variant.
Genome position (GRCh38, 1-based): chr6:152,447,591, T>G on the plus strand (A>C on the coding strand, the complement: SYNE1 is on the minus strand). VCF-style: chr6-152447591-T-G. GRCh37 (hg19) VCF-style: chr6-152768726-T-G.
Other names: p.Glu1186Ala; c.3557A>C, p.Glu1186Ala (NM_033071.5); short protein forms E1179A, E1186A.
Identifiers: ClinVar variation 196189 (VCV000196189.59), dbSNP rs117461489, ClinGen allele CA243061.
Genomic context (GRCh38, chr6:152,447,591, plus strand): 5'-TCATTCTCAGAAGAAACTTCTGTCAAAACTTTCAGCCTGGATTTCAGCCAGCTGAGGGTC[T>G]CACCCCTTTTGGTAACACCATTTCTGATCTCCTGAAATGAGAGAACACTTTTGATGAACA-3'
Protein context (NP_892006.3, residues 1169-1189): EIRNGVTKRG[Glu1179Ala]TLSWLKSRLK